The following is an entry in ClinVar:

NM_012108.4(STAP1):c.215T>C (p.Val72Ala)

Genes: STAP1 (signal transducing adaptor family member 1; plus strand), LOC123477751 (Sharpr-MPRA regulatory region 12077; plus strand). Cytogenetic location: 4q13.2.
Variant type: single nucleotide variant.
Coding change: c.215T>C on transcript NM_012108.4 (MANE Select); coding-DNA position 215, T replaced by C.
Protein change: p.Val72Ala; replaces valine 72 with alanine.
Molecular consequence: missense variant.
Genome position (GRCh38, 1-based): chr4:67,575,407, T>C. VCF-style: chr4-67575407-T-C. GRCh37 (hg19) VCF-style: chr4-68441125-T-C.
Other names: c.215T>C, p.Val72Ala (NM_001317769.2); short protein forms V72A.
Identifiers: ClinVar variation 2563490 (VCV002563490.2), dbSNP rs1727695834, ClinGen allele CA357047816.
Genomic context (GRCh38, chr4:67,575,407, plus strand): 5'-ATGAAATAATGTAATGTGATCTTCCTTTATCTTTGCAGTATGTTGACAAATTAGACATAG[T>C]AGACCTCACATGCCTTACTGAGCAGAATTCAACTGAAAAGAACTGTGCGAAATTCACCCT-3'
Protein context (NP_036240.1, residues 62-82): SIIYVDKLDI[Val72Ala]DLTCLTEQNS

ClinVar aggregate classification (germline): Uncertain significance (1 of 4 stars; one submission).

Allele frequency attached by ClinVar (database versions not stated): gnomAD exomes below 0.00001.
gnomAD v4.1: 1 of 1,598,272 alleles (0.000063%); highest among the groups gnomAD compares: Non-Finnish European, 0.000085%; no homozygotes.

Submission:

Ambry Genetics
Classification: Uncertain significance. Last evaluated: 2023-03-26. Review status: criteria provided, single submitter. Criteria: Ambry Variant Classification Scheme 2023. Collection method: clinical testing. Allele origin: germline.
Comment: The p.V72A variant (also known as c.215T>C), located in coding exon 3 of the STAP1 gene, results from a T to C substitution at nucleotide position 215. The valine at codon 72 is replaced by alanine, an amino acid with similar properties. This amino acid position is conserved. In addition, this alteration is predicted to be tolerated by in silico analysis. Since supporting evidence is limited at this time, the clinical significance of this alteration remains unclear.